The following is an entry in ClinVar:

NM_018249.6(CDK5RAP2):c.1151G>A (p.Arg384His)

Gene: CDK5RAP2 (CDK5 regulatory subunit associated protein 2; minus strand). Cytogenetic location: 9q33.2.
Variant type: single nucleotide variant.
Coding change: c.1151G>A on transcript NM_018249.6 (MANE Select); coding-DNA position 1151, G replaced by A.
Protein change: p.Arg384His; replaces arginine 384 with histidine.
Molecular consequence: missense variant. On other transcripts: non-coding transcript variant (5).
Genome position (GRCh38, 1-based): chr9:120,518,587, C>T on the plus strand (G>A on the coding strand, the complement: CDK5RAP2 is on the minus strand). VCF-style: chr9-120518587-C-T. GRCh37 (hg19) VCF-style: chr9-123280865-C-T.
Other names: c.1151G>A, p.Arg384His (NM_001011649.3, NM_001272039.2, NM_001410992.1 and 2 more transcripts); short protein forms R384H.
Identifiers: ClinVar variation 2054585 (VCV002054585.1), dbSNP rs764922734, ClinGen allele CA5214483.
Genomic context (GRCh38, chr9:120,518,587, plus strand): 5'-ATCTTCTTAATGCTTCTACGCAGTCTGTGGTTCTCTGTACTCTTGGTGAGGTTTTGTGAG[C>T]GCAGCGCAGCCGAAAGGGCTTCCTTTCCTGATAGAGCAGTCTCATAGTCTTCAGACCCCT-3'
Protein context (NP_060719.4, residues 374-394): SGKEALSAAL[Arg384His]SQNLTKSTEN

ClinVar aggregate classification (germline): Uncertain significance (1 of 4 stars; one submission).

Allele frequency attached by ClinVar (database versions not stated): gnomAD 0.00003.
gnomAD v4.1: 26 of 1,613,524 alleles (0.0016%); highest among the groups gnomAD compares: East Asian, 0.0067%; no homozygotes.

Submission:

Labcorp Genetics (formerly Invitae), Labcorp
Classification: Uncertain significance. Last evaluated: 2022-09-27. Review status: criteria provided, single submitter. Criteria: Invitae Variant Classification Sherloc (09022015). Collection method: clinical testing. Allele origin: germline.
Comment: This sequence change replaces arginine, which is basic and polar, with histidine, which is basic and polar, at codon 384 of the CDK5RAP2 protein (p.Arg384His). This variant is present in population databases (rs764922734, gnomAD 0.006%). This variant has not been reported in the literature in individuals affected with CDK5RAP2-related conditions. Algorithms developed to predict the effect of missense changes on protein structure and function output the following: SIFT: "Tolerated"; PolyPhen-2: "Possibly Damaging"; Align-GVGD: "Class C0". The histidine amino acid residue is found in multiple mammalian species, which suggests that this missense change does not adversely affect protein function. In summary, the available evidence is currently insufficient to determine the role of this variant in disease. Therefore, it has been classified as a Variant of Uncertain Significance.